The following is an entry in ClinVar:

ClinVar aggregate classification (germline): Likely pathogenic. Review status: criteria provided, single submitter (1 of 4 stars). 2 submissions from 2 submitters: Likely pathogenic (1). 1 of the submissions does not count toward it. Last evaluated 2018-09-28.

Conditions:
BODY MASS INDEX QUANTITATIVE TRAIT LOCUS 20 (BMIQ20). Also called: MELANOCORTIN 4 RECEPTOR DEFICIENCY; MC4R DEFICIENCY. Identifiers: MedGen C4759928, OMIM 618406.
Obesity due to melanocortin 4 receptor deficiency. Identifiers: Orphanet 71529, MedGen C4273958, MONDO:0019115.

Allele frequency attached by ClinVar (database versions not stated): gnomAD exomes below 0.00001; ExAC 0.00001; gnomAD 0.00001.

Submissions (2):

Laboratory for Molecular Medicine, Mass General Brigham Personalized Medicine
Classification: Likely pathogenic for Obesity due to melanocortin 4 receptor deficiency. Last evaluated: 2018-09-28. Review status: criteria provided, single submitter. Criteria: ACMG Guidelines, 2015. Collection method: clinical testing. Allele origin: germline. Inheritance: Autosomal dominant inheritance.
Comment: The p.Asn62Ser variant in MC4R has been reported in the homozygous state in 1 individual with severe obesity, and segregated with disease in 4 homozygous and 4 heterozygous affected relatives (Farooqi 2003, Farooqi 2003). Of note, the homozygous individuals in this family were more severely affected than the heterozygous individuals. This variant has been identified in 1/30782 South Asian chromosomes by the Genome Aggregation Database (gnomAD). In vitro functional studies provide some evidence that the p.Asn62Ser variant may impact protein function (Tao 2003, Yeo 2003); however, these types of assays may not accurately represent biological function. Computational prediction tools and conservation analysis suggest that the p.Asn62Ser variant may impact the protein, though this information is not predictive enough to determine pathogenicity. In summary, although additional studies are required to fully establish its clinical significance, the p.Asn62Ser variant is likely pathogenic. ACMG/AMP Criteria applied: PM2, PP1_Moderate, PP3, PS3_Supporting.

OMIM
Classification: Pathogenic for OBESITY (BMIQ20). Last evaluated: 2003-03-20. Review status: no assertion criteria provided. Collection method: literature only. Allele origin: germline. Not counted in ClinVar's aggregate classification.

Literature cited by the submitters: PubMed 12588803 (cited by Laboratory for Molecular Medicine, Mass General Brigham Personalized Medicine); PubMed 12959994 (cited by Laboratory for Molecular Medicine, Mass General Brigham Personalized Medicine); PubMed 12646665 (cited by Laboratory for Molecular Medicine, Mass General Brigham Personalized Medicine and OMIM); PubMed 10903343 (cited by Laboratory for Molecular Medicine, Mass General Brigham Personalized Medicine).

NM_005912.3(MC4R):c.185A>G (p.Asn62Ser)

Gene: MC4R (melanocortin 4 receptor; minus strand). Cytogenetic location: 18q21.32.
Variant type: single nucleotide variant.
Coding change: c.185A>G on transcript NM_005912.3 (MANE Select); coding-DNA position 185, A replaced by G.
Protein change: p.Asn62Ser; replaces asparagine 62 with serine.
Molecular consequence: missense variant.
Genome position (GRCh38, 1-based): chr18:60,372,165, T>C on the plus strand (A>G on the coding strand, the complement: MC4R is on the minus strand). VCF-style: chr18-60372165-T-C. GRCh37 (hg19) VCF-style: chr18-58039398-T-C.
Other names: short protein forms N62S.
Identifiers: ClinVar variation 14334 (VCV000014334.3), dbSNP rs121913566, ClinGen allele CA210724.